The following is an entry in ClinVar:

ClinVar aggregate classification (germline): Pathogenic/Likely pathogenic. Review status: criteria provided, multiple submitters, no conflicts (2 of 4 stars). 11 submissions from 11 submitters: Pathogenic (5); Likely pathogenic (4). 2 of the submissions do not count toward it. Last evaluated 2025-12-21.

Conditions:
PALB2-related cancer predisposition. Identifiers: MedGen CN377761, MONDO:0700272.
Familial cancer of breast. Also called: BREAST CANCER, FAMILIAL; Hereditary breast cancer; hereditary breast carcinoma. Identifiers: Orphanet 227535, MedGen C0346153, MONDO:0016419, OMIM 114480. Disease mechanism: loss of function.
Hereditary cancer-predisposing syndrome. Also called: Tumor predisposition; Hereditary Cancer Syndrome; Neoplastic Syndromes, Hereditary; Hereditary neoplastic syndrome. Identifiers: Orphanet 140162, MedGen C0027672, MeSH D009386, MONDO:0015356.
Pancreatic cancer, susceptibility to, 3. Identifiers: Orphanet 1333, MedGen C3150547, MONDO:0013236, OMIM 613348.
Fanconi anemia complementation group N. Also called: PALB2-Related Fanconi Anemia. Identifiers: Orphanet 84, MedGen C1835817, MONDO:0012565, OMIM 610832. Disease mechanism: loss of function.
Breast-ovarian cancer, familial, susceptibility to, 5 (BROVCA5). Identifiers: MedGen C5830615, MONDO:0957530, OMIM 620442.

Submissions (11):

Labcorp Genetics (formerly Invitae), Labcorp
Classification: Pathogenic for Familial cancer of breast. Last evaluated: 2025-12-21. Review status: criteria provided, single submitter. Criteria: Invitae Variant Classification Sherloc (09022015). Collection method: clinical testing. Allele origin: germline.
Comment: This sequence change affects an acceptor splice site in intron 8 of the PALB2 gene. RNA analysis indicates that disruption of this splice site induces altered splicing and likely results in a shortened protein product. This variant is not present in population databases (gnomAD no frequency). Disruption of this splice site has been observed in individual(s) with breast cancer (PMID: 21285249, 22241545, 26720728, 27779110; internal data). It has also been observed to segregate with disease in related individuals. ClinVar contains an entry for this variant (Variation ID: 126688). Studies have shown that disruption of this splice site results in skipping of exon 9, but is expected to preserve the integrity of the reading-frame (internal data). For these reasons, this variant has been classified as Pathogenic.

Ambry Genetics
Classification: Likely pathogenic for Hereditary cancer-predisposing syndrome. Last evaluated: 2025-01-11. Review status: criteria provided, single submitter. Criteria: Ambry Variant Classification Scheme 2023. Collection method: clinical testing. Allele origin: germline.
Comment: The c.2835-1G>C intronic variant, results from a G to C substitution one nucleotide upstream from coding exon 9 of the PALB2 gene. This variant has previously been reported in multiple individuals diagnosed with breast cancer (Casadei S et al. Cancer Res. 2011 Mar; 71(6):2222-9; Tischkowitz M et al. Hum. Mutat. 2012 Apr; 33(4):674-80; Antoniou AC N. Engl. J. Med. 2014 Aug;371(6):497-506; Weitzel JN et al. Cancer, 2019 08;125:2829-2836). This nucleotide position is highly conserved in available vertebrate species. In silico splice site analysis predicts that this alteration will weaken the native splice acceptor site and will result in the creation or strengthening of a novel splice acceptor site. RNA analysis showed that this variant leads to skipping of exon 9 and is therefore expected to produce an abnormal protein (Casadei S et al. Proc. Natl. Acad. Sci. U.S.A., 2019 Dec; Ambry internal data). As such, this alteration is classified as likely pathogenic.

Quest Diagnostics Nichols Institute San Juan Capistrano
Classification: Likely pathogenic. Last evaluated: 2025-01-03. Review status: criteria provided, single submitter. Criteria: Quest Diagnostics criteria. Collection method: clinical testing. Allele origin: unknown.
Comment: The PALB2 c.2835-1G>C variant has been reported in the published literature in individuals with a personal or family history of breast cancer (PMID: 35039564 (2022), 27779110 (2017), 25099575 (2014), 22241545 (2012), 21285249 (2011)), an individual with solid pseudopapillary tumor (PMID: 35171259 (2022)) and an individual with an unspecified cancer (PMID: 31843900 (2019)). Functional studies demonstrated that this variant has an inconclusive effect on protein function (PMID: 31843900 (2019), 21285249 (2011)). This variant has not been reported in large, multi-ethnic general populations (Genome Aggregation Database). Based on the available information, this variant is classified as likely pathogenic.

Fulgent Genetics
Classification: Pathogenic for Fanconi anemia complementation group N; Pancreatic cancer, susceptibility to, 3; Breast-ovarian cancer, familial, susceptibility to, 5. Last evaluated: 2024-06-07. Review status: criteria provided, single submitter. Criteria: ACMG Guidelines, 2015. Collection method: clinical testing. Allele origin: germline.

Baylor Genetics
Classification: Pathogenic for Familial cancer of breast. Last evaluated: 2024-03-17. Review status: criteria provided, single submitter. Criteria: ACMG Guidelines, 2015. Collection method: clinical testing. Allele origin: unknown.

GeneDx
Classification: Likely pathogenic. Last evaluated: 2023-10-06. Review status: criteria provided, single submitter. Criteria: GeneDx Variant Classification Process June 2021. Collection method: clinical testing. Allele origin: germline. Affected: yes.
Comment: Canonical splice site variant demonstrated to result in aberrant splicing in a gene for which loss of function is a known mechanism of disease (Lopez-Perolio et al., 2019; Casadei et al., 2011; Casadei et al., 2019); Not observed at significant frequency in large population cohorts (gnomAD); Identified in individuals with a personal history of breast and other cancers (Tischkowitz et al., 2012; Casadei et al., 2011; Norquist et al., 2016; Weitzel et al., 2019; Antoniou et al., 2014; Eliade et al., 2017; Eygelaar et al., 2022); This variant is associated with the following publications: (PMID: 22241545, 23935381, 21285249, 30890586, 23448497, 31206626, 25099575, 31843900, 27779110, 35039564, 26720728, 35171259)

Myriad Genetics, Inc.
Classification: Likely pathogenic for Familial cancer of breast. Last evaluated: 2023-09-14. Review status: criteria provided, single submitter. Criteria: Myriad Autosomal Dominant, Autosomal Recessive and X-Linked Classification Criteria (2023). Collection method: clinical testing. Allele origin: unknown.
Comment: This variant is considered likely pathogenic. This variant occurs within a consensus splice junction and is predicted to result in abnormal mRNA splicing of either an out-of-frame exon or an in-frame exon necessary for protein stability and/or normal function.

Institute for Genomic Medicine (IGM) Clinical Laboratory, Nationwide Children's Hospital
Classification: Pathogenic for PALB2-related cancer predisposition. Last evaluated: 2023-08-16. Review status: criteria provided, single submitter. Criteria: ACMG Guidelines, 2015. Collection method: clinical testing. Allele origin: germline.
Comment: This variant is predicted to result in loss of function through nonsense-mediated decay of the encoded transcript or premature truncation of the encoded protein in a gene in which loss of function is a known mechanism of disease (ACMG/AMP: PVS1; PMID:25099575). Well-established functional studies have demonstrated this variant to have a damaging effect on protein function or splicing (ACMG/AMP: PS3_Supporting; PMID:31843900). This variant has been reported at an elevated frequency in affected individuals/in multiple affected individuals in the literature (ACMG/AMP: PS4; PMIDs:21285249, 22241545, 26720728, 27779110, 25099575, 31206626). This variant is absent from or present at an exceedingly low frequency in gnomAD, a large-scale control population database (ACMG/AMP: PM2).

Women's Health and Genetics/Laboratory Corporation of America, LabCorp
Classification: Pathogenic for Familial cancer of breast. Last evaluated: 2019-09-20. Review status: criteria provided, single submitter. Criteria: LabCorp Variant Classification Summary - May 2015. Collection method: clinical testing. Allele origin: germline.
Comment: Variant summary: PALB2 c.2835-1G>C is located in a canonical splice-site and is predicted to affect mRNA splicing resulting in a significantly altered protein due to either exon skipping, shortening, or inclusion of intronic material. Several computational tools predict a significant impact on normal splicing: Five predict the variant abolishes a 3 acceptor site. However, these predictions have yet to be confirmed by functional studies. The variant was absent in 251104 control chromosomes (gnomAD). c.2835-1G>C has been reported in the literature in individuals affected with Breast Cancer (Casadei_2011, Tischkowitz_2012, Eliade_2017, Norquist_2016). These data indicate that the variant may be associated with disease. To our knowledge, no experimental evidence demonstrating an impact on protein function has been reported. Two ClinVar submissions (evaluation after 2014) cite the variant once as pathogenic and once as likely pathogenic. Based on the evidence outlined above, the variant was classified as pathogenic.

King Laboratory, University of Washington
Classification: Pathogenic for Familial cancer of breast; Hereditary cancer-predisposing syndrome. Last evaluated: 2019-09-01. Review status: no assertion criteria provided. Collection method: research. Allele origin: germline. Affected: yes. Not counted in ClinVar's aggregate classification.
Comment: Transcript analysis by cBROCA

Leiden Open Variation Database
Classification: Likely pathogenic for Familial cancer of breast. Last evaluated: 2019-05-13. Review status: no assertion criteria provided. Collection method: curation. Allele origin: germline. Affected: yes. Not counted in ClinVar's aggregate classification.
Comment: Curators: Marc Tischkowitz, Arleen D. Auerbach. Submitter to LOVD: Marc Tischkowitz.

Literature cited by the submitters: PubMed 21285249 (cited by 6 submitters); PubMed 22241545 (cited by 6 submitters); PubMed 26720728 (cited by 3 submitters); PubMed 27779110 (cited by 4 submitters); PubMed 23448497 (cited by Ambry Genetics); PubMed 23935381 (cited by Ambry Genetics); PubMed 31206626 (cited by Ambry Genetics and Institute for Genomic Medicine (IGM) Clinical Laboratory, Nationwide Children's Hospital); PubMed 31843900 (cited by 4 submitters); PubMed 25099575 (cited by 3 submitters); PubMed 35039564 (cited by Quest Diagnostics Nichols Institute San Juan Capistrano); PubMed 35171259 (cited by Quest Diagnostics Nichols Institute San Juan Capistrano).

NM_024675.4(PALB2):c.2835-1G>C

Gene: PALB2 (partner and localizer of BRCA2; minus strand). Cytogenetic location: 16p12.2.
Variant type: single nucleotide variant.
Coding change: c.2835-1G>C on transcript NM_024675.4 (MANE Select); the canonical splice acceptor site of the intron before coding-DNA position 2835, G replaced by C.
Molecular consequence: splice acceptor variant. On other transcripts: intron variant (1).
Genome position (GRCh38, 1-based): chr16:23,623,131, C>G on the plus strand (G>C on the coding strand, the complement: PALB2 is on the minus strand). VCF-style: chr16-23623131-C-G. GRCh37 (hg19) VCF-style: chr16-23634452-C-G.
Other names: c.1950-1G>C (NM_001407308.1, NM_001407306.1, NM_001407309.1 and 4 more transcripts); c.369-1G>C (NM_001407314.1); c.1047-1G>C (NM_001407313.1, NM_001407312.1); c.2775-1G>C (NM_001407296.1); c.2763-1G>C (NM_001407297.1); c.2673-1G>C (NM_001407302.1, NM_001407298.1); c.2834+878G>C (NM_001407300.1); c.2835-1G>C (NM_001407299.1, NM_001407301.1); and 1 more.
Identifiers: ClinVar variation 126688 (VCV000126688.27), dbSNP rs515726099, ClinGen allele CA331795.
Genomic context (GRCh38, chr16:23,623,131, plus strand): 5'-TTTCCAGACTTCAGTAGTACTTGCTTTTCACTTTCATCATCAGAGGAACAAAACAATGCC[C>G]TAAGCCAAATATAAGGAAAAATGGGGTGATGTGAGGAGTAACCTTTTAATATTAAAGGAC-3'